The following is an entry in ClinVar:

ClinVar aggregate classification (germline): Uncertain significance (1 of 4 stars; one submission).

Conditions:
Idiopathic generalized epilepsy. Also called: EIG; Generalised epilepsy. Identifiers: MedGen C0270850, MONDO:0005579, OMIM 600669.
Hyperaldosteronism, familial, type IV (HALD4). Also called: FH IV; ALDOSTERONISM, PRIMARY, AND HYPERTENSION. Identifiers: Orphanet 642671, MedGen C4310756, MONDO:0014875, OMIM 617027.

gnomAD v4.1: 1 of 1,575,854 alleles (0.000063%); highest among the groups gnomAD compares: Non-Finnish European, 0.000086%; no homozygotes.

Submission:

Labcorp Genetics (formerly Invitae), Labcorp
Classification: Uncertain significance for Idiopathic generalized epilepsy; Hyperaldosteronism, familial, type IV. Last evaluated: 2025-12-11. Review status: criteria provided, single submitter. Criteria: Invitae Variant Classification Sherloc (09022015). Collection method: clinical testing. Allele origin: germline.
Comment: This sequence change replaces proline, which is neutral and non-polar, with alanine, which is neutral and non-polar, at codon 2227 of the CACNA1H protein (p.Pro2227Ala). This variant is not present in population databases (gnomAD no frequency). This variant has not been reported in the literature in individuals affected with CACNA1H-related conditions. Invitae Evidence Modeling of protein sequence and biophysical properties (such as structural, functional, and spatial information, amino acid conservation, physicochemical variation, residue mobility, and thermodynamic stability) indicates that this missense variant is not expected to disrupt CACNA1H protein function with a negative predictive value of 80%. In summary, the available evidence is currently insufficient to determine the role of this variant in disease. Therefore, it has been classified as a Variant of Uncertain Significance.

NM_021098.3(CACNA1H):c.6679C>G (p.Pro2227Ala)

Gene: CACNA1H (calcium voltage-gated channel subunit alpha1 H; plus strand). Cytogenetic location: 16p13.3.
Variant type: single nucleotide variant.
Coding change: c.6679C>G on transcript NM_021098.3 (MANE Select); coding-DNA position 6679, C replaced by G.
Protein change: p.Pro2227Ala; replaces proline 2227 with alanine.
Molecular consequence: missense variant.
Genome position (GRCh38, 1-based): chr16:1,220,611, C>G. VCF-style: chr16-1220611-C-G. GRCh37 (hg19) VCF-style: chr16-1270611-C-G.
Other names: c.6661C>G, p.Pro2221Ala (NM_001005407.2); short protein forms P2221A, P2227A.
Identifiers: ClinVar variation 4783021 (VCV004783021.1).